The following is an entry in ClinVar:

NM_178857.6(RP1L1):c.5794G>A (p.Glu1932Lys)

Gene: RP1L1 (RP1 like 1). Cytogenetic location: 8p23.1.
Variant type: single nucleotide variant.
Coding change: c.5794G>A on transcript NM_178857.6 (MANE Select); coding-DNA position 5794, G replaced by A.
Protein change: p.Glu1932Lys; replaces glutamic acid 1932 with lysine.
Molecular consequence: missense variant.
Genome position (GRCh38, 1-based): chr8:10,608,304, C>T on the plus strand (G>A on the coding strand, the complement: RP1L1 is on the minus strand). VCF-style: chr8-10608304-C-T. GRCh37 (hg19) VCF-style: chr8-10465814-C-T.
Other names: short protein forms E1932K.
Identifiers: ClinVar variation 910161 (VCV000910161.4), dbSNP rs199991672, ClinGen allele CA4623531.

ClinVar aggregate classification (germline): Benign (1 of 4 stars; one submission).

Conditions:
Occult macular dystrophy (OCMD). Also called: OMD; OCCULT MACULAR DYSTROPHY, SUSCEPTIBILITY TO. Identifiers: Orphanet 247834, MedGen C3150833, MONDO:0013316, OMIM 613587, HP:0030636.

Allele frequency attached by ClinVar (database versions not stated): gnomAD exomes 0.00005; ExAC 0.00007; ESP Exome Variant Server 0.00008; gnomAD 0.00017; TOPMed 0.00017; 1000 Genomes Project 30x 0.00047; 1000 Genomes Project 0.00060.
gnomAD v4.1: 112 of 1,605,080 alleles (0.007%); highest among the groups gnomAD compares: African/African-American, 0.038%; no homozygotes.

Submission:

Illumina Laboratory Services, Illumina
Classification: Benign for Occult macular dystrophy. Last evaluated: 2018-03-14. Review status: criteria provided, single submitter. Criteria: ICSL Variant Classification Criteria 13 December 2019. Collection method: clinical testing. Allele origin: germline.
Comment: This variant was observed in the ICSL laboratory as part of a predisposition screen in an ostensibly healthy population. It had not been previously curated by ICSL or reported in the Human Gene Mutation Database (HGMD: prior to June 1st, 2018), and was therefore a candidate for classification through an automated scoring system. Utilizing variant allele frequency, disease prevalence and penetrance estimates, and inheritance mode, an automated score was calculated to assess if this variant is too frequent to cause the disease. Based on the score and internal cut-off values, a variant classified as benign is not then subjected to further curation. The score for this variant resulted in a classification of benign for this disease.